The following is an entry in ClinVar:

NM_004086.3(COCH):c.1625G>T (p.Cys542Phe)

Genes: COCH (cochlin; plus strand), COCH-AS1 (COCH antisense RNA 1; minus strand). Cytogenetic location: 14q12.
Variant type: single nucleotide variant.
Coding change: c.1625G>T on transcript NM_004086.3 (MANE Select); coding-DNA position 1625, G replaced by T.
Protein change: p.Cys542Phe; replaces cysteine 542 with phenylalanine.
Molecular consequence: missense variant. On other transcripts: non-coding transcript variant (1).
Genome position (GRCh38, 1-based): chr14:30,889,763, G>T. VCF-style: chr14-30889763-G-T. GRCh37 (hg19) VCF-style: chr14-31358969-G-T.
Other names: c.1625G>T, p.Cys542Phe (NM_001135058.2); c.1820G>T, p.Cys607Phe (NM_001347720.2); short protein forms C542F, C607F.
Identifiers: ClinVar variation 6614 (VCV000006614.18), dbSNP rs121908932, ClinGen allele CA253895.

ClinVar aggregate classification (germline): Pathogenic. Review status: criteria provided, multiple submitters, no conflicts (2 of 4 stars). 7 submissions from 7 submitters: Pathogenic (5). 2 of the submissions do not count toward it. Last evaluated 2025-10-03.

Conditions:
Genetic hearing loss. Also called: Hereditary hearing loss; Hereditary hearing disorder. Identifiers: MedGen C0236038.
Rare genetic deafness. Identifiers: Orphanet 96210, MedGen C5680250.
Autosomal dominant nonsyndromic hearing loss 9. Identifiers: Orphanet 90635, MedGen C1832425, MONDO:0011058, OMIM 601369.

Submissions (7):

Women's Health and Genetics/Laboratory Corporation of America, LabCorp
Classification: Pathogenic for Genetic hearing loss. Last evaluated: 2025-10-03. Review status: criteria provided, single submitter. Criteria: LabCorp Variant Classification Summary - May 2015. Collection method: clinical testing. Allele origin: germline.
Comment: Variant summary: COCH c.1625G>T (p.Cys542Phe) results in a non-conservative amino acid change in the encoded protein sequence. Algorithms developed to predict the effect of missense changes on protein structure and function are either unavailable or do not agree on the potential impact of this missense change. The variant was absent in 250956 control chromosomes. c.1625G>T has been observed in multiple individuals in a family affected with Hereditary hearing loss and deafness with cosegregation of this variant with disease. These data indicate that the variant is very likely to be associated with disease. At least one publication reports experimental evidence evaluating an impact on protein function and this variant results in significantly reduced secretion of this protein (Cho_2012). The following publications have been ascertained in the context of this evaluation (PMID: 22610276, 29907799, 26969326, 16261627). ClinVar contains an entry for this variant (Variation ID: 6614). Based on the evidence outlined above, the variant was classified as pathogenic.

Labcorp Genetics (formerly Invitae), Labcorp
Classification: Pathogenic. Last evaluated: 2025-03-11. Review status: criteria provided, single submitter. Criteria: Invitae Variant Classification Sherloc (09022015). Collection method: clinical testing. Allele origin: germline.
Comment: This sequence change replaces cysteine, which is neutral and slightly polar, with phenylalanine, which is neutral and non-polar, at codon 542 of the COCH protein (p.Cys542Phe). This variant is not present in population databases (gnomAD no frequency). This missense change has been observed in individual(s) with autosomal dominant deafness (PMID: 16261627). It has also been observed to segregate with disease in related individuals. ClinVar contains an entry for this variant (Variation ID: 6614). Invitae Evidence Modeling of protein sequence and biophysical properties (such as structural, functional, and spatial information, amino acid conservation, physicochemical variation, residue mobility, and thermodynamic stability) indicates that this missense variant is expected to disrupt COCH protein function with a positive predictive value of 95%. Experimental studies have shown that this missense change affects COCH function (PMID: 16261627). For these reasons, this variant has been classified as Pathogenic.

Pittsburgh Clinical Genomics Laboratory, University of Pittsburgh Medical Center
Classification: Pathogenic for Autosomal dominant nonsyndromic hearing loss 9. Last evaluated: 2023-11-17. Review status: criteria provided, single submitter. Criteria: ACMG Guidelines, 2015. Collection method: clinical testing. Allele origin: germline. Inheritance: Autosomal unknown. Affected: yes.
Comment: This sequence variant is a single nucleotide substitution (G>T) at position 1625 of the coding sequence of the COCH gene that results in a cysteine to phenylalanine amino acid change at residue 542 of the cochlin protein. This residue is part of a structural disulfide bond (PMID: 16261627). This is a previously reported variant (ClinVar 6614) that has been observed segregating with progressive hearing loss in all affected members of a large family (PMID: 16261627). This variant is absent from the gnomAD population database (0/~152000 alleles). Multiple bioinformatic tools predict that this cysteine to phenylalanine amino acid change would be damaging, and the Cys542 residue at this position is highly conserved across the vertebrate species examined. Studies examining the functional consequence of this variant have demonstrated that post-translational proteolytic processing is altered (PMID: 16261627), and the variant protein has a decreased affinity for heparin (PMID: 35901072). Based upon the evidence, we consider this variant to be pathogenic. ACMG Criteria: PM2, PP1, PP3, PS3, PS4

GeneDx
Classification: Pathogenic. Last evaluated: 2022-12-06. Review status: criteria provided, single submitter. Criteria: GeneDx Variant Classification Process June 2021. Collection method: clinical testing. Allele origin: germline. Affected: yes.
Comment: Reported by exome sequencing in a proband with mild bilateral sensorineural hearing loss, but age-of-onset and segregation information were not provided (Sheppard et al., 2018); This variant was found significantly more frequently in cases with ICD10 codes for hearing loss vs. controls in a large association study; the authors suggested that the presence in the two controls may be explained by either imperfect ascertainment of the phenotype or variable expressivity (Praveen et al., 2022); A meta-analysis on published cases with variants in the COCH gene suggested that p.C542F was associated with an earlier age-of-onset than the other variants evaluated based on non-linear regression analysis of audiometric data (Robijn et al., 2022); Published functional studies demonstrate a damaging effect: reduced binding affinity to N-sulfated heparin (Honda et al., 2022); Not observed in large population cohorts (gnomAD); This variant is associated with the following publications: (PMID: 16261627, 35901072, 35661827, 29907799, 35204720)

Laboratory for Molecular Medicine, Mass General Brigham Personalized Medicine
Classification: Pathogenic for Rare genetic deafness. Last evaluated: 2015-11-24. Review status: criteria provided, single submitter. Criteria: LMM Criteria. Collection method: clinical testing. Allele origin: germline. Inheritance: Autosomal dominant inheritance. Observed: 1 variant allele.
Comment: The p.Cys542Phe variant in COCH has been reported in one family with post-lingua l progressive sensorineural hearing loss, in which the variant segregated with h earing loss in 15 affected relatives in an autosomal dominant pattern (Street 20 05). In addition, this variant was absent from large population studies and two other variants (p.Cys542Arg, p.Cys542Tyr) affecting the same position have also been reported in families with dominant hearing loss (Yuan 2008, Tsukada 2015) i ndicating that this position is intolerant to variation. In summary, this varian t meets our criteria to be classified as pathogenic for hearing loss in an autos omal dominant manner based on segregation data and absence in controls.

Division of Human Genetics, Children's Hospital of Philadelphia
Classification: Likely pathogenic for Autosomal dominant nonsyndromic hearing loss 9. Last evaluated: 2016-02-29. Review status: no assertion criteria provided. Collection method: research. Allele origin: paternal. Affected: yes. Study: CSER-PediSeq. Not counted in ClinVar's aggregate classification.

OMIM
Classification: Pathogenic for DEAFNESS, AUTOSOMAL DOMINANT 9. Last evaluated: 2005-12-01. Review status: no assertion criteria provided. Collection method: literature only. Allele origin: germline. Not counted in ClinVar's aggregate classification.

Literature cited by the submitters: PubMed 26969326 (cited by Women's Health and Genetics/Laboratory Corporation of America, LabCorp); PubMed 29907799 (cited by Women's Health and Genetics/Laboratory Corporation of America, LabCorp); PubMed 22610276 (cited by Women's Health and Genetics/Laboratory Corporation of America, LabCorp); PubMed 16261627 (cited by 6 submitters); PubMed 35901072 (cited by Pittsburgh Clinical Genomics Laboratory, University of Pittsburgh Medical Center); PubMed 18312449 (cited by Laboratory for Molecular Medicine, Mass General Brigham Personalized Medicine); PubMed 25780252 (cited by Laboratory for Molecular Medicine, Mass General Brigham Personalized Medicine).